The following is an entry in ClinVar:

ClinVar aggregate classification (germline): Pathogenic (1 of 4 stars; one submission).

Submission:

Labcorp Genetics (formerly Invitae), Labcorp
Classification: Pathogenic. Last evaluated: 2022-07-12. Review status: criteria provided, single submitter. Criteria: Invitae Variant Classification Sherloc (09022015). Collection method: clinical testing. Allele origin: germline.
Comment: A gross deletion of the genomic region encompassing the full coding sequence of the CA4 gene has been identified. Loss-of-function variants in CA4 are known to be pathogenic (PMID: 33090715). The boundaries of this event are unknown as they extend beyond the assayed region for this gene and therefore may encompass additional genes. A similar copy number variant has been observed in individual(s) with clinical features of retinitis pigmentosa (Invitae). For these reasons, this variant has been classified as Pathogenic.

Literature cited by the submitters: PubMed 33090715.

NC_000017.10:g.(?_58227396)_(58236785_?)del

Gene: CA4 (carbonic anhydrase 4; plus strand). Cytogenetic location: 17q23.1.
Variant type: Deletion.
Identifiers: ClinVar variation 1455150 (VCV001455150.7).